The following is an entry in ClinVar:

NM_001735.3(C5):c.1716+5G>T

Gene: C5 (complement C5; minus strand). Cytogenetic location: 9q33.2.
Variant type: single nucleotide variant.
Coding change: c.1716+5G>T on transcript NM_001735.3 (MANE Select); 5 bases into the intron after coding-DNA position 1716, G replaced by T.
Molecular consequence: intron variant.
Genome position (GRCh38, 1-based): chr9:121,017,638, C>A on the plus strand (G>T on the coding strand, the complement: C5 is on the minus strand). VCF-style: chr9-121017638-C-A. GRCh37 (hg19) VCF-style: chr9-123779916-C-A.
Other names: c.1734+5G>T (NM_001317163.2); c.1716+5G>T (NM_001317164.2).
Identifiers: ClinVar variation 2177566 (VCV002177566.4), dbSNP rs374474286, ClinGen allele CA5218008.

ClinVar aggregate classification (germline): Uncertain significance (1 of 4 stars; one submission).

Allele frequency attached by ClinVar (database versions not stated): TOPMed 0.00002; gnomAD 0.00006; ESP Exome Variant Server 0.00008; ExAC 0.00001; gnomAD exomes 0.00001.
gnomAD v4.1: 21 of 1,612,568 alleles (0.0013%); highest among the groups gnomAD compares: African/African-American, 0.02%; no homozygotes.

Submission:

Labcorp Genetics (formerly Invitae), Labcorp
Classification: Uncertain significance. Last evaluated: 2023-12-11. Review status: criteria provided, single submitter. Criteria: Invitae Variant Classification Sherloc (09022015). Collection method: clinical testing. Allele origin: germline.
Comment: This sequence change falls in intron 13 of the C5 gene. It does not directly change the encoded amino acid sequence of the C5 protein. It affects a nucleotide within the consensus splice site. This variant is present in population databases (rs374474286, gnomAD 0.01%). This variant has not been reported in the literature in individuals affected with C5-related conditions. ClinVar contains an entry for this variant (Variation ID: 2177566). Variants that disrupt the consensus splice site are a relatively common cause of aberrant splicing (PMID: 17576681, 9536098). Algorithms developed to predict the effect of sequence changes on RNA splicing suggest that this variant is not likely to affect RNA splicing. In summary, the available evidence is currently insufficient to determine the role of this variant in disease. Therefore, it has been classified as a Variant of Uncertain Significance.

Literature cited by the submitters: PubMed 17576681; PubMed 9536098.